The following is an entry in ClinVar:

NM_001267550.2(TTN):c.26991A>G (p.Thr8997=)

Gene: TTN (titin; minus strand). Cytogenetic location: 2q31.2.
Variant type: single nucleotide variant.
Coding change: c.26991A>G on transcript NM_001267550.2 (MANE Select); coding-DNA position 26991, A replaced by G.
Protein change: p.Thr8997=; no amino-acid change (threonine 8997 retained).
Molecular consequence: synonymous variant. On other transcripts: intron variant (3).
Genome position (GRCh38, 1-based): chr2:178,713,143, T>C on the plus strand (A>G on the coding strand, the complement: TTN is on the minus strand). VCF-style: chr2-178713143-T-C. GRCh37 (hg19) VCF-style: chr2-179577870-T-C.
Other names: p.T7753T:ACA>ACG; p.Thr7753=; c.26040A>G, p.Thr8680= (NM_001256850.1); c.23259A>G, p.Thr7753= (NM_133378.4); c.13282+24939A>G (NM_003319.4); c.13858+24939A>G (NM_133437.4); c.13657+24939A>G (NM_133432.3).
Identifiers: ClinVar variation 46792 (VCV000046792.50), dbSNP rs61232800, ClinGen allele CA283014.
Genomic context (GRCh38, chr2:178,713,143, plus strand): 5'-ACCTCTCACAGTCAAAGGAGCACTACATTCATCAGAACCAGCCATATTAGTAGCTATACA[T>C]GTGTAGTCACCACTGTCTGATTCTTCCAGCATGTTCACAGTTAAAGCACAAGTATTATCT-3'
Protein context (NP_001254479.2, residues 8987-9007): MLEESDSGDY[Thr8997=]CIATNMAGSD

ClinVar aggregate classification (germline): Benign/Likely benign. Review status: criteria provided, multiple submitters, no conflicts (2 of 4 stars). 25 submissions from 18 submitters: Benign (18); Likely benign (3). 4 of the submissions do not count toward it. Last evaluated 2026-02-03.

Conditions:
TTN-related disorder. Also called: TTN-related disorders; TTN-related condition; TTN-related disease.
Cardiovascular phenotype. Identifiers: MedGen CN230736.
Dilated cardiomyopathy 1G (CMD1G). Identifiers: Orphanet 154, MedGen C1858763, MONDO:0011400, OMIM 604145.
Autosomal recessive limb-girdle muscular dystrophy type 2J (LGMDR10). Also called: MUSCULAR DYSTROPHY, LIMB-GIRDLE, AUTOSOMAL RECESSIVE 10; Limb-girdle muscular dystrophy, type 2J. Identifiers: Orphanet 140922, MedGen C1837342, MONDO:0012127, OMIM 608807.
Early-onset myopathy with fatal cardiomyopathy (CMYO5). Also called: CONGENITAL MYOPATHY 5 WITH CARDIOMYOPATHY; Salih Myopathy. Identifiers: Orphanet 289377, MedGen C2673677, MONDO:0012714, OMIM 611705. Disease mechanism: loss of function.
Hypertrophic cardiomyopathy 9. Also called: Familial hypertrophic cardiomyopathy 9. Identifiers: MedGen C1861065, MONDO:0013412, OMIM 613765.
Tibial muscular dystrophy (TMD). Also called: Udd Distal Myopathy – Tibial Muscular Dystrophy; Tibial muscular dystrophy, tardive; UDD MYOPATHY. Identifiers: Orphanet 609, MedGen C1838244, MONDO:0010870, OMIM 600334.
Myopathy, myofibrillar, 9, with early respiratory failure (MFM9). Also called: Myopathy, distal, with early respiratory failure, autosomal dominant; Hereditary myopathy with early respiratory failure; MYOPATHY, PROXIMAL, WITH EARLY RESPIRATORY MUSCLE INVOLVEMENT; EDSTROM MYOPATHY. Identifiers: Orphanet 178464, Orphanet 34521, MedGen C1863599, MONDO:0011362, OMIM 603689.
Cardiomyopathy (CMYO). Also called: Cardiomyopathies. Identifiers: Orphanet 167848, MedGen C0878544, MONDO:0004994, HP:0001638. Inheritance: Various modes of inheritance.

Allele frequency attached by ClinVar (database versions not stated): 1000 Genomes Project 0.02436; 1000 Genomes Project 30x 0.02483; TOPMed 0.02576; gnomAD 0.02248; ESP Exome Variant Server 0.02259.
gnomAD v4.1: 7,412 of 1,613,814 alleles (0.46%); highest among the groups gnomAD compares: African/African-American, 7.7%; 232 homozygotes.

Submissions (25):

Labcorp Genetics (formerly Invitae), Labcorp
Classification: Benign for Dilated cardiomyopathy 1G; Autosomal recessive limb-girdle muscular dystrophy type 2J. Last evaluated: 2026-02-03. Review status: criteria provided, single submitter. Criteria: Invitae Variant Classification Sherloc (09022015). Collection method: clinical testing. Allele origin: germline.

ARUP Laboratories, Molecular Genetics and Genomics, ARUP Laboratories
Classification: Benign. Last evaluated: 2025-07-08. Review status: criteria provided, single submitter. Criteria: ARUP Molecular Germline Variant Investigation Process 2024. Collection method: clinical testing. Allele origin: germline.

Molecular Diagnostic Laboratory for Inherited Cardiovascular Disease, Montreal Heart Institute
Classification: Benign. Last evaluated: 2025-04-09. Review status: criteria provided, single submitter. Criteria: ACMG Guidelines, 2015. Collection method: clinical testing. Allele origin: germline. Affected: no.

Mayo Clinic Laboratories, Mayo Clinic
Classification: Benign. Last evaluated: 2024-03-05. Review status: criteria provided, single submitter. Criteria: ACMG Guidelines, 2015. Collection method: clinical testing. Allele origin: germline. Observed: 48 variant alleles.
Comment: BA1, BP4, BP7

Fulgent Genetics
Classification: Likely benign for Tibial muscular dystrophy; Myopathy, myofibrillar, 9, with early respiratory failure; Dilated cardiomyopathy 1G; Autosomal recessive limb-girdle muscular dystrophy type 2J; Early-onset myopathy with fatal cardiomyopathy; Hypertrophic cardiomyopathy 9. Last evaluated: 2021-09-27. Review status: criteria provided, single submitter. Criteria: ACMG Guidelines, 2015. Collection method: clinical testing. Allele origin: unknown.

Genome-Nilou Lab
Classification: Benign for Autosomal recessive limb-girdle muscular dystrophy type 2J. Last evaluated: 2021-09-10. Review status: criteria provided, single submitter. Criteria: ACMG Guidelines, 2015. Collection method: clinical testing. Allele origin: germline. Affected: no.

Genome-Nilou Lab
Classification: Benign for Myopathy, myofibrillar, 9, with early respiratory failure. Last evaluated: 2021-09-10. Review status: criteria provided, single submitter. Criteria: ACMG Guidelines, 2015. Collection method: clinical testing. Allele origin: germline. Affected: no.

Genome-Nilou Lab
Classification: Benign for Early-onset myopathy with fatal cardiomyopathy. Last evaluated: 2021-09-10. Review status: criteria provided, single submitter. Criteria: ACMG Guidelines, 2015. Collection method: clinical testing. Allele origin: germline. Affected: no.

Genome-Nilou Lab
Classification: Benign for Tibial muscular dystrophy. Last evaluated: 2021-09-10. Review status: criteria provided, single submitter. Criteria: ACMG Guidelines, 2015. Collection method: clinical testing. Allele origin: germline. Affected: no.

Women's Health and Genetics/Laboratory Corporation of America, LabCorp
Classification: Benign. Last evaluated: 2020-03-10. Review status: criteria provided, single submitter. Criteria: LabCorp Variant Classification Summary - May 2015. Collection method: clinical testing. Allele origin: germline.

Illumina Laboratory Services, Illumina
Classification: Benign for Autosomal recessive limb-girdle muscular dystrophy type 2J. Last evaluated: 2018-01-13. Review status: criteria provided, single submitter. Criteria: ICSL Variant Classification Criteria 13 December 2019. Collection method: clinical testing. Allele origin: germline.
Comment: This variant was observed in the ICSL laboratory as part of a predisposition screen in an ostensibly healthy population. It had not been previously curated by ICSL or reported in the Human Gene Mutation Database (HGMD: prior to June 1st, 2018), and was therefore a candidate for classification through an automated scoring system. Utilizing variant allele frequency, disease prevalence and penetrance estimates, and inheritance mode, an automated score was calculated to assess if this variant is too frequent to cause the disease. Based on the score and internal cut-off values, a variant classified as benign is not then subjected to further curation. The score for this variant resulted in a classification of benign for this disease.

Illumina Laboratory Services, Illumina
Classification: Likely benign for Dilated cardiomyopathy 1G. Last evaluated: 2018-01-13. Review status: criteria provided, single submitter. Criteria: ICSL Variant Classification Criteria 13 December 2019. Collection method: clinical testing. Allele origin: germline.
Comment: This variant was observed in the ICSL laboratory as part of a predisposition screen in an ostensibly healthy population. It had not been previously curated by ICSL or reported in the Human Gene Mutation Database (HGMD: prior to June 1st, 2018), and was therefore a candidate for classification through an automated scoring system. Utilizing variant allele frequency, disease prevalence and penetrance estimates, and inheritance mode, an automated score was calculated to assess if this variant is too frequent to cause the disease. Based on the score and internal cut-off values, a variant classified as likely benign is not then subjected to further curation. The score for this variant resulted in a classification of likely benign for this disease.

Illumina Laboratory Services, Illumina
Classification: Benign for Tibial muscular dystrophy. Last evaluated: 2018-01-13. Review status: criteria provided, single submitter. Criteria: ICSL Variant Classification Criteria 13 December 2019. Collection method: clinical testing. Allele origin: germline.
Comment: the same text as in the submission from Illumina Laboratory Services, Illumina above.

Illumina Laboratory Services, Illumina
Classification: Benign for Early-onset myopathy with fatal cardiomyopathy. Last evaluated: 2018-01-13. Review status: criteria provided, single submitter. Criteria: ICSL Variant Classification Criteria 13 December 2019. Collection method: clinical testing. Allele origin: germline.
Comment: the same text as in the submission from Illumina Laboratory Services, Illumina above.

Illumina Laboratory Services, Illumina
Classification: Benign for Myopathy, myofibrillar, 9, with early respiratory failure. Last evaluated: 2018-01-13. Review status: criteria provided, single submitter. Criteria: ICSL Variant Classification Criteria 13 December 2019. Collection method: clinical testing. Allele origin: germline.
Comment: the same text as in the submission from Illumina Laboratory Services, Illumina above.

CHEO Genetics Diagnostic Laboratory, Children's Hospital of Eastern Ontario
Classification: Benign for Cardiomyopathy. Last evaluated: 2016-04-01. Review status: criteria provided, single submitter. Criteria: ACMG Guidelines, 2015. Collection method: clinical testing. Allele origin: germline. Study: Canadian Open Genetics Repository.

Genetic Services Laboratory, University of Chicago
Classification: Benign for AllHighlyPenetrant. Last evaluated: 2013-08-15. Review status: criteria provided, single submitter. Criteria: ACMG Guidelines, 2007. Collection method: clinical testing. Allele origin: germline.

GeneDx
Classification: Benign. Last evaluated: 2013-04-30. Review status: criteria provided, single submitter. Criteria: GeneDx Variant Classification (06012015). Collection method: clinical testing. Allele origin: germline. Affected: yes.
Comment: This variant is considered likely benign or benign based on one or more of the following criteria: it is a conservative change, it occurs at a poorly conserved position in the protein, it is predicted to be benign by multiple in silico algorithms, and/or has population frequency not consistent with disease.

Ambry Genetics
Classification: Benign for Cardiovascular phenotype. Last evaluated: 2012-11-05. Review status: criteria provided, single submitter. Criteria: Ambry Autosomal Dominant and X-Linked criteria (10/2015). Collection method: clinical testing. Allele origin: germline. Observed: 1 variant allele.

Laboratory for Molecular Medicine, Mass General Brigham Personalized Medicine
Classification: Benign. Last evaluated: 2012-03-16. Review status: criteria provided, single submitter. Criteria: LMM Criteria. Collection method: clinical testing. Allele origin: germline. Observed: 32 variant alleles.
Comment: Thr7753Thr in exon 90 in TTN: This variant is not expected to have clinical sign ificance because it does not alter an amino acid residue, is not located within the splice consensus sequence, and has been identified in 6.9% (227/3276) of Afr ican American chromosomes from a broad population by the NHLBI Exome Sequencing Project (dbSNP rs61232800).

Breakthrough Genomics
Classification: Likely benign. Review status: criteria provided, single submitter. Criteria: ACMG Guidelines, 2015. Collection method: not provided. Allele origin: germline. Inheritance: Autosomal recessive inheritance. Affected: yes.

PreventionGenetics, part of Exact Sciences
Classification: Benign for TTN-related condition. Last evaluated: 2019-03-12. Review status: no assertion criteria provided. Collection method: clinical testing. Allele origin: germline. Not counted in ClinVar's aggregate classification.
Comment: This variant is classified as benign based on ACMG/AMP sequence variant interpretation guidelines (Richards et al. 2015 PMID: 25741868, with internal and published modifications).

Clinical Genetics DNA and cytogenetics Diagnostics Lab, Erasmus MC, Erasmus Medical Center
Classification: Benign. Review status: no assertion criteria provided. Collection method: clinical testing. Allele origin: germline. Affected: yes. Study: VKGL Data-share Consensus. Not counted in ClinVar's aggregate classification.

Clinical Genetics, Academic Medical Center
Classification: Benign. Review status: no assertion criteria provided. Collection method: clinical testing. Allele origin: germline. Affected: yes. Study: VKGL Data-share Consensus. Not counted in ClinVar's aggregate classification.

Joint Genome Diagnostic Labs from Nijmegen and Maastricht, Radboudumc and MUMC+
Classification: Benign. Review status: no assertion criteria provided. Collection method: clinical testing. Allele origin: germline. Affected: yes. Study: VKGL Data-share Consensus. Not counted in ClinVar's aggregate classification.